The following is an entry in ClinVar:

NM_001148.6(ANK2):c.2281G>A (p.Gly761Ser)

Gene: ANK2 (ankyrin 2; plus strand). Cytogenetic location: 4q26.
Variant type: single nucleotide variant.
Coding change: c.2281G>A on transcript NM_001148.6 (MANE Select); coding-DNA position 2281, G replaced by A.
Protein change: p.Gly761Ser; replaces glycine 761 with serine.
Molecular consequence: missense variant.
Genome position (GRCh38, 1-based): chr4:113,292,419, G>A. VCF-style: chr4-113292419-G-A. GRCh37 (hg19) VCF-style: chr4-114213575-G-A.
Other names: c.2218G>A, p.Gly740Ser (NM_001127493.3, NM_001354239.2, NM_001354243.2 and 10 more transcripts); c.2281G>A, p.Gly761Ser (NM_001354225.2, NM_001354228.2, NM_001354232.2 and 6 more transcripts); c.2326G>A, p.Gly776Ser (NM_001354230.2, NM_001354231.2, NM_001354237.2 and 5 more transcripts); c.2182G>A, p.Gly728Ser (NM_001354245.2, NM_001354268.2); c.2194G>A, p.Gly732Ser (NM_001354249.2, NM_001354264.2, NM_001354266.2 and 10 more transcripts); c.2119G>A, p.Gly707Ser (NM_001354253.2, NM_001354257.2, NM_001354270.2 and 1 more transcripts); c.2095G>A, p.Gly699Ser (NM_001354260.2, NM_001354271.2, NM_001386151.1); c.2239G>A, p.Gly747Ser (NM_001354261.2, NM_001386147.1, NM_001386160.1); and 8 more; short protein forms G740S, G761S, G695S, G732S, G776S, G666S, G691S, G707S.
Identifiers: ClinVar variation 347315 (VCV000347315.9), dbSNP rs774769455, ClinGen allele CA3050513.

ClinVar aggregate classification (germline): Uncertain significance. Review status: criteria provided, multiple submitters, no conflicts (2 of 4 stars). 3 submissions from 3 submitters: Uncertain significance (3). Last evaluated 2024-06-04.

Conditions:
Cardiovascular phenotype. Identifiers: MedGen CN230736.
Cardiac arrhythmia, ankyrin-B-related. Also called: ANKYRIN-B SYNDROME. Identifiers: Orphanet 101016, Orphanet 768, MedGen C1970119, MONDO:0010958, OMIM 600919.

Allele frequency attached by ClinVar (database versions not stated): TOPMed below 0.00001; ExAC 0.00001; gnomAD exomes 0.00001.
gnomAD v4.1: 37 of 1,609,284 alleles (0.0023%); highest among the groups gnomAD compares: East Asian, 0.069%; no homozygotes.

Submissions (3):

Ambry Genetics
Classification: Uncertain significance for Cardiovascular phenotype. Last evaluated: 2024-06-04. Review status: criteria provided, single submitter. Criteria: Ambry Variant Classification Scheme 2023. Collection method: clinical testing. Allele origin: germline.
Comment: The p.G761S variant (also known as c.2281G>A), located in coding exon 21 of the ANK2 gene, results from a G to A substitution at nucleotide position 2281. The glycine at codon 761 is replaced by serine, an amino acid with similar properties. This amino acid position is highly conserved in available vertebrate species. In addition, the in silico prediction for this alteration is inconclusive. According to data from gnomAD, the frequency for this variant is above the maximum credible frequency for a cardiac disease-causing variant in this gene based on internally established thresholds (Karczewski et al. Nature. 2020 May;581(7809):434-443; Whiffin et al. Genet Med. 2017 10;19:1151-1158). Based on the supporting evidence, the association of this alteration with ANK2-related neurodevelopmental disorder is unknown; however, the association with ANK2-related arrhythmia is unlikely.

GeneDx
Classification: Uncertain significance. Last evaluated: 2024-03-29. Review status: criteria provided, single submitter. Criteria: GeneDx Variant Classification Process June 2021. Collection method: clinical testing. Allele origin: germline. Affected: yes.
Comment: Not observed at significant frequency in large population cohorts (gnomAD); In silico analysis supports that this missense variant has a deleterious effect on protein structure/function; In silico analysis suggests this variant may impact gene splicing. In the absence of RNA/functional studies, the actual effect of this sequence change is unknown.; This variant is associated with the following publications: (PMID: 27785597, 27784853)

Illumina Laboratory Services, Illumina
Classification: Uncertain significance for Cardiac arrhythmia, ankyrin-B-related. Last evaluated: 2018-01-12. Review status: criteria provided, single submitter. Criteria: ICSL Variant Classification Criteria 13 December 2019. Collection method: clinical testing. Allele origin: germline.